The following is an entry in ClinVar:

NM_001040151.2(SCN3B):c.489C>T (p.Tyr163=)

Gene: SCN3B (sodium voltage-gated channel beta subunit 3; minus strand). Cytogenetic location: 11q24.1.
Variant type: single nucleotide variant.
Coding change: c.489C>T on transcript NM_001040151.2 (MANE Select); coding-DNA position 489, C replaced by T.
Protein change: p.Tyr163=; no amino-acid change (tyrosine 163 retained).
Molecular consequence: synonymous variant.
Genome position (GRCh38, 1-based): chr11:123,638,281, G>A on the plus strand (C>T on the coding strand, the complement: SCN3B is on the minus strand). VCF-style: chr11-123638281-G-A. GRCh37 (hg19) VCF-style: chr11-123508989-G-A.
Other names: c.489C>T, p.Tyr163= (NM_018400.4).
Identifiers: ClinVar variation 389585 (VCV000389585.3), dbSNP rs1001532028, ClinGen allele CA16606880.

ClinVar aggregate classification (germline): Likely benign. Review status: criteria provided, multiple submitters, no conflicts (2 of 4 stars). 2 submissions from 2 submitters: Likely benign (2). Last evaluated 2020-09-28.

Conditions:
Cardiovascular phenotype. Identifiers: MedGen CN230736.

gnomAD v4.1: 3 of 1,614,138 alleles (0.00019%); no homozygotes.

Submissions (2):

Ambry Genetics
Classification: Likely benign for Cardiovascular phenotype. Last evaluated: 2020-09-28. Review status: criteria provided, single submitter. Criteria: Ambry Variant Classification Scheme 2023. Collection method: clinical testing. Allele origin: germline.

GeneDx
Classification: Likely benign. Last evaluated: 2016-10-27. Review status: criteria provided, single submitter. Criteria: GeneDx Variant Classification (06012015). Collection method: clinical testing. Allele origin: germline. Affected: yes.
Comment: This variant is considered likely benign or benign based on one or more of the following criteria: it is a conservative change, it occurs at a poorly conserved position in the protein, it is predicted to be benign by multiple in silico algorithms, and/or has population frequency not consistent with disease.